The following is an entry in ClinVar:

NM_015602.4(TOR1AIP1):c.84A>G (p.Gly28=)

Genes: TOR1AIP1 (torsin 1A interacting protein 1; plus strand), LOC112577517 (Sharpr-MPRA regulatory region 13766; plus strand). Cytogenetic location: 1q25.2.
Variant type: single nucleotide variant.
Coding change: c.84A>G on transcript NM_015602.4 (MANE Select); coding-DNA position 84, A replaced by G.
Protein change: p.Gly28=; no amino-acid change (glycine 28 retained).
Molecular consequence: synonymous variant.
Genome position (GRCh38, 1-based): chr1:179,882,586, A>G. VCF-style: chr1-179882586-A-G. GRCh37 (hg19) VCF-style: chr1-179851721-A-G.
Other names: c.84A>G, p.Gly28= (NM_001267578.2).
Identifiers: ClinVar variation 2639593 (VCV002639593.24), dbSNP rs1571718637, ClinGen allele CA422266930.

ClinVar aggregate classification (germline): Likely benign (1 of 4 stars; one submission).

Allele frequency attached by ClinVar (database versions not stated): gnomAD exomes below 0.00001.
gnomAD v4.1: 1 of 1,521,114 alleles (0.000066%); highest among the groups gnomAD compares: Non-Finnish European, 0.000088%; no homozygotes.

Submission:

CeGaT Center for Human Genetics Tuebingen
Classification: Likely benign. Last evaluated: 2022-06-01. Review status: criteria provided, single submitter. Criteria: CeGaT Center For Human Genetics Tuebingen Variant Classification Criteria Version 2. Collection method: clinical testing. Allele origin: germline. Affected: yes. Observed: 1 variant allele.
Comment: TOR1AIP1: PM2:Supporting, BP4, BP7